The following is an entry in ClinVar:

NM_017763.6(RNF43):c.1049A>G (p.His350Arg)

Gene: RNF43 (ring finger protein 43; minus strand). Cytogenetic location: 17q22.
Variant type: single nucleotide variant.
Coding change: c.1049A>G on transcript NM_017763.6 (MANE Select); coding-DNA position 1049, A replaced by G.
Protein change: p.His350Arg; replaces histidine 350 with arginine.
Molecular consequence: missense variant.
Genome position (GRCh38, 1-based): chr17:58,358,727, T>C on the plus strand (A>G on the coding strand, the complement: RNF43 is on the minus strand). VCF-style: chr17-58358727-T-C. GRCh37 (hg19) VCF-style: chr17-56436088-T-C.
Other names: c.1049A>G, p.His350Arg (NM_001305544.3, NM_001438820.1, NM_001438821.1 and 1 more transcripts); c.668A>G, p.His223Arg (NM_001305545.2, NM_001437987.1); short protein forms H223R, H350R.
Identifiers: ClinVar variation 4155815 (VCV004155815.1).

ClinVar aggregate classification (germline): Uncertain significance (1 of 4 stars; one submission).

Submission:

Ambry Genetics
Classification: Uncertain significance. Last evaluated: 2025-09-11. Review status: criteria provided, single submitter. Criteria: Ambry Variant Classification Scheme 2023. Collection method: clinical testing. Allele origin: germline.
Comment: The p.H350R variant (also known as c.1049A>G), located in coding exon 8 of the RNF43 gene, results from an A to G substitution at nucleotide position 1049. The histidine at codon 350 is replaced by arginine, an amino acid with highly similar properties. This amino acid position is conserved. In addition, this alteration is predicted to be tolerated by in silico analysis. Based on the available evidence, the clinical significance of this variant remains unclear.